The following is an entry in ClinVar:

NM_031935.3(HMCN1):c.4468G>A (p.Asp1490Asn)

Gene: HMCN1 (hemicentin 1; plus strand). Cytogenetic location: 1q31.1.
Variant type: single nucleotide variant.
Coding change: c.4468G>A on transcript NM_031935.3 (MANE Select); coding-DNA position 4468, G replaced by A.
Protein change: p.Asp1490Asn; replaces aspartic acid 1490 with asparagine.
Molecular consequence: missense variant.
Genome position (GRCh38, 1-based): chr1:186,003,837, G>A. VCF-style: chr1-186003837-G-A. GRCh37 (hg19) VCF-style: chr1-185972969-G-A.
Other names: short protein forms D1490N.
Identifiers: ClinVar variation 1494858 (VCV001494858.6), dbSNP rs781177769, ClinGen allele CA33446845.

ClinVar aggregate classification (germline): Uncertain significance (1 of 4 stars; one submission).

Allele frequency attached by ClinVar (database versions not stated): gnomAD exomes 0.00001 and 0.00002; TOPMed 0.00001; gnomAD 0.00005.
gnomAD v4.1: 24 of 1,613,060 alleles (0.0015%); highest among the groups gnomAD compares: Admixed American, 0.013%; 1 homozygote.

Submission:

Labcorp Genetics (formerly Invitae), Labcorp
Classification: Uncertain significance. Last evaluated: 2024-03-25. Review status: criteria provided, single submitter. Criteria: Invitae Variant Classification Sherloc (09022015). Collection method: clinical testing. Allele origin: germline.
Comment: This sequence change replaces aspartic acid, which is acidic and polar, with asparagine, which is neutral and polar, at codon 1490 of the HMCN1 protein (p.Asp1490Asn). This variant is present in population databases (rs781177769, gnomAD 0.006%). This variant has not been reported in the literature in individuals affected with HMCN1-related conditions. ClinVar contains an entry for this variant (Variation ID: 1494858). An algorithm developed to predict the effect of missense changes on protein structure and function (PolyPhen-2) suggests that this variant is likely to be disruptive. In summary, the available evidence is currently insufficient to determine the role of this variant in disease. Therefore, it has been classified as a Variant of Uncertain Significance.